The following is an entry in ClinVar:

ClinVar aggregate classification (germline): Pathogenic (1 of 4 stars; one submission).

Submission:

Labcorp Genetics (formerly Invitae), Labcorp
Classification: Pathogenic. Last evaluated: 2022-10-17. Review status: criteria provided, single submitter. Criteria: Invitae Variant Classification Sherloc (09022015). Collection method: clinical testing. Allele origin: unknown.
Comment: For these reasons, this variant has been classified as Pathogenic. This variant has not been reported in the literature in individuals affected with OCA2-related conditions. This variant is a gross deletion of the genomic region encompassing exon(s) 2-23 of the OCA2 gene, which includes the initiator codon. This deletion extends beyond the assayed region for this gene and therefore may encompass additional genes. It is expected to result in an absent or disrupted protein product. Loss-of-function variants in OCA2 are known to be pathogenic (PMID: 19865097, 21541274).

Literature cited by the submitters: PubMed 19865097; PubMed 21541274.

NC_000015.9:g.(?_28090085)_(28327020_?)del

Gene: OCA2 (OCA2 melanosomal transmembrane protein; minus strand). Cytogenetic location: 15q12-13.1.
Variant type: Deletion.
Identifiers: ClinVar variation 3243845 (VCV003243845.1).